The following is an entry in ClinVar:

ClinVar aggregate classification (germline): Uncertain significance (1 of 4 stars; one submission).

Allele frequency attached by ClinVar (database versions not stated): gnomAD exomes 0.00001; ExAC 0.00002; TOPMed 0.00005; gnomAD 0.00007.

Submission:

Labcorp Genetics (formerly Invitae), Labcorp
Classification: Uncertain significance. Last evaluated: 2025-11-18. Review status: criteria provided, single submitter. Criteria: Invitae Variant Classification Sherloc (09022015). Collection method: clinical testing. Allele origin: germline.
Comment: This sequence change replaces valine, which is neutral and non-polar, with leucine, which is neutral and non-polar, at codon 253 of the FZD2 protein (p.Val253Leu). This variant is present in population databases (rs761564563, gnomAD 0.02%). This variant has not been reported in the literature in individuals affected with FZD2-related conditions. ClinVar contains an entry for this variant (Variation ID: 1896299). Invitae Evidence Modeling of protein sequence and biophysical properties (such as structural, functional, and spatial information, amino acid conservation, physicochemical variation, residue mobility, and thermodynamic stability) indicates that this missense variant is not expected to disrupt FZD2 protein function with a negative predictive value of 80%. In summary, the available evidence is currently insufficient to determine the role of this variant in disease. Therefore, it has been classified as a Variant of Uncertain Significance.

NM_001466.4(FZD2):c.757G>C (p.Val253Leu)

Gene: FZD2 (frizzled class receptor 2; plus strand). Cytogenetic location: 17q21.31.
Variant type: single nucleotide variant.
Coding change: c.757G>C on transcript NM_001466.4 (MANE Select); coding-DNA position 757, G replaced by C.
Protein change: p.Val253Leu; replaces valine 253 with leucine.
Molecular consequence: missense variant.
Genome position (GRCh38, 1-based): chr17:44,558,445, G>C. VCF-style: chr17-44558445-G-C. GRCh37 (hg19) VCF-style: chr17-42635813-G-C.
Other names: short protein forms V253L.
Identifiers: ClinVar variation 1896299 (VCV001896299.5), dbSNP rs761564563, ClinGen allele CA8604705.
Genomic context (GRCh38, chr17:44,558,445, plus strand): 5'-TCCATGTTCTTCTCACAGGAGGAGACGCGTTTCGCGCGCCTCTGGATCCTCACCTGGTCG[G>C]TGCTGTGCTGCGCTTCCACCTTCTTCACTGTCACCACGTACTTGGTAGACATGCAGCGCT-3'
Protein context (NP_001457.1, residues 243-263): FARLWILTWS[Val253Leu]LCCASTFFTV